The following is an entry in ClinVar:

NM_015213.4(DENND5A):c.1316G>A (p.Arg439Gln)

Gene: DENND5A (DENN domain containing 5A; minus strand). Cytogenetic location: 11p15.4.
Variant type: single nucleotide variant.
Coding change: c.1316G>A on transcript NM_015213.4 (MANE Select); coding-DNA position 1316, G replaced by A.
Protein change: p.Arg439Gln; replaces arginine 439 with glutamine.
Molecular consequence: missense variant. On other transcripts: non-coding transcript variant (1).
Genome position (GRCh38, 1-based): chr11:9,180,906, C>T on the plus strand (G>A on the coding strand, the complement: DENND5A is on the minus strand). VCF-style: chr11-9180906-C-T. GRCh37 (hg19) VCF-style: chr11-9202453-C-T.
Other names: c.1316G>A (NM_015213.3); c.1316G>A, p.Arg439Gln (NM_001243254.2, NM_001348748.1); c.1244G>A, p.Arg415Gln (NM_001348749.2); c.1028G>A, p.Arg343Gln (NM_001348750.2); short protein forms R415Q, R343Q, R439Q.
Identifiers: ClinVar variation 2148778 (VCV002148778.3), dbSNP rs773484374, ClinGen allele CA5877634.

ClinVar aggregate classification (germline): Uncertain significance. Review status: criteria provided, multiple submitters, no conflicts (2 of 4 stars). 3 submissions from 3 submitters: Uncertain significance (3). Last evaluated 2025-03-10.

Conditions:
Inborn genetic diseases. Identifiers: MedGen C0950123, MeSH D030342.

Allele frequency attached by ClinVar (database versions not stated): gnomAD 0.00001; TOPMed 0.00002; gnomAD exomes 0.00005; ExAC 0.00007.
gnomAD v4.1: 77 of 1,614,062 alleles (0.0048%); highest among the groups gnomAD compares: South Asian, 0.043%; no homozygotes.

Submissions (3):

Ambry Genetics
Classification: Uncertain significance for Inborn genetic diseases. Last evaluated: 2025-03-10. Review status: criteria provided, single submitter. Criteria: Ambry Variant Classification Scheme 2023. Collection method: clinical testing. Allele origin: germline.

Labcorp Genetics (formerly Invitae), Labcorp
Classification: Uncertain significance. Last evaluated: 2022-02-25. Review status: criteria provided, single submitter. Criteria: Invitae Variant Classification Sherloc (09022015). Collection method: clinical testing. Allele origin: germline.
Comment: This sequence change replaces arginine, which is basic and polar, with glutamine, which is neutral and polar, at codon 439 of the DENND5A protein (p.Arg439Gln). This variant is present in population databases (rs773484374, gnomAD 0.05%). This variant has not been reported in the literature in individuals affected with DENND5A-related conditions. Algorithms developed to predict the effect of missense changes on protein structure and function (SIFT, PolyPhen-2, Align-GVGD) all suggest that this variant is likely to be tolerated. In summary, the available evidence is currently insufficient to determine the role of this variant in disease. Therefore, it has been classified as a Variant of Uncertain Significance.

Blueprint Genetics
Classification: Uncertain significance. Last evaluated: 2020-03-09. Review status: criteria provided, single submitter. Criteria: ACMG Guidelines, 2015. Collection method: clinical testing. Allele origin: germline.